The following is an entry in ClinVar:

NM_198253.3(TERT):c.337dup (p.Glu113fs)

Gene: TERT (telomerase reverse transcriptase; minus strand). Cytogenetic location: 5p15.33.
Variant type: Duplication.
Coding change: c.337dup on transcript NM_198253.3 (MANE Select); coding-DNA position 337, one base duplicated (G; older notation c.337dupG).
Protein change: p.Glu113fs; shifts the reading frame from glutamic acid 113.
Molecular consequence: frameshift variant. On other transcripts: non-coding transcript variant (2).
Genome position (GRCh38, 1-based): chr5:1,294,549, C duplicated on the plus strand (G on the coding strand, the reverse complement: TERT is on the minus strand). VCF-style (leftmost placement, unchanged base first): chr5-1294548-T-TC. GRCh37 (hg19) VCF-style: chr5-1294663-T-TC.
Other names: c.337dup, p.Glu113fs (NM_001193376.3); short protein forms E113fs.
Identifiers: ClinVar variation 268078 (VCV000268078.2), dbSNP rs1554043088, ClinGen allele CA645372763.

ClinVar aggregate classification (germline): Pathogenic (0 of 4 stars; one submission).

Conditions:
Hepatocellular carcinoma (HCC). Also called: Primary carcinoma of liver; HEPATOMA; LIVER CELL CARCINOMA. Identifiers: Orphanet 88673, MedGen C2239176, MONDO:0007256, OMIM 114550, HP:0001402.

Submission:

Metabolic Liver Diseases Lab, Fondazione IRCCS Ca Granda Policlinico, University of Milan
Classification: Pathogenic for Hepatocellular carcinoma. Last evaluated: 2016-06-01. Review status: no assertion criteria provided. Collection method: case-control. Allele origin: germline. Affected: yes. Observed: 1 variant allele.
Comment: frameshift, cosegregate w/ liver disease in family

Literature cited by the submitters: PubMed 28677271.